The following is an entry in ClinVar:

NM_001267550.2(TTN):c.104104C>T (p.His34702Tyr)

Genes: TTN (titin; minus strand), TTN-AS1 (TTN antisense RNA 1; plus strand). Cytogenetic location: 2q31.2.
Variant type: single nucleotide variant.
Coding change: c.104104C>T on transcript NM_001267550.2 (MANE Select); coding-DNA position 104104, C replaced by T.
Protein change: p.His34702Tyr; replaces histidine 34702 with tyrosine.
Molecular consequence: missense variant.
Genome position (GRCh38, 1-based): chr2:178,532,511, G>A on the plus strand (C>T on the coding strand, the complement: TTN is on the minus strand). VCF-style: chr2-178532511-G-A. GRCh37 (hg19) VCF-style: chr2-179397238-G-A.
Other names: c.99181C>T, p.His33061Tyr (NM_001256850.1); c.76909C>T, p.His25637Tyr (NM_003319.4); c.96400C>T, p.His32134Tyr (NM_133378.4); c.77284C>T, p.His25762Tyr (NM_133432.3); c.77485C>T, p.His25829Tyr (NM_133437.4); short protein forms H25637Y, H25762Y, H25829Y, H32134Y, H33061Y, H34702Y.
Identifiers: ClinVar variation 4537896 (VCV004537896.2).

ClinVar aggregate classification (germline): Uncertain significance. Review status: criteria provided, multiple submitters, no conflicts (2 of 4 stars). 2 submissions from 2 submitters: Uncertain significance (2). Last evaluated 2025-09-16.

Conditions:
Dilated cardiomyopathy 1G (CMD1G). Identifiers: Orphanet 154, MedGen C1858763, MONDO:0011400, OMIM 604145.
Autosomal recessive limb-girdle muscular dystrophy type 2J (LGMDR10). Also called: Limb-girdle muscular dystrophy, type 2J; MUSCULAR DYSTROPHY, LIMB-GIRDLE, AUTOSOMAL RECESSIVE 10. Identifiers: Orphanet 140922, MedGen C1837342, MONDO:0012127, OMIM 608807.

gnomAD v4.1: 2 of 1,614,028 alleles (0.00012%); highest among the groups gnomAD compares: Admixed American, 0.0033%; no homozygotes.

Submissions (2):

Labcorp Genetics (formerly Invitae), Labcorp
Classification: Uncertain significance for Dilated cardiomyopathy 1G; Autosomal recessive limb-girdle muscular dystrophy type 2J. Last evaluated: 2025-09-16. Review status: criteria provided, single submitter. Criteria: Invitae Variant Classification Sherloc (09022015). Collection method: clinical testing. Allele origin: germline.
Comment: This sequence change replaces histidine, which is basic and polar, with tyrosine, which is neutral and polar, at codon 34702 of the TTN protein (p.His34702Tyr). This variant is present in population databases (rs139894068, gnomAD 0.003%). This variant has not been reported in the literature in individuals affected with TTN-related conditions. Experimental studies and prediction algorithms are not available or were not evaluated, and the functional significance of this variant is currently unknown. This variant is located in the M band of TTN (PMID: 25589632). Non-truncating variants in this region may be relevant for neuromuscular disorders, but have not been definitively shown to cause cardiomyopathy (PMID: 23975875). In summary, the available evidence is currently insufficient to determine the role of this variant in disease. Therefore, it has been classified as a Variant of Uncertain Significance.

GeneDx
Classification: Uncertain significance. Last evaluated: 2025-06-10. Review status: criteria provided, single submitter. Criteria: GeneDx Variant Classification Process June 2021. Collection method: clinical testing. Allele origin: germline. Affected: yes.
Comment: Not observed at significant frequency in large population cohorts (gnomAD); Missense variant in a gene in which most reported pathogenic variants are truncating/loss of function; Has not been previously published as pathogenic or benign to our knowledge

Literature cited by the submitters: PubMed 25589632 (cited by Labcorp Genetics (formerly Invitae), Labcorp); PubMed 23975875 (cited by Labcorp Genetics (formerly Invitae), Labcorp).